The following is an entry in ClinVar:

NM_005956.4(MTHFD1):c.1985A>G (p.Glu662Gly)

Gene: MTHFD1 (methylenetetrahydrofolate dehydrogenase, cyclohydrolase and formyltetrahydrofolate synthetase 1; plus strand). Cytogenetic location: 14q23.3.
Variant type: single nucleotide variant.
Coding change: c.1985A>G on transcript NM_005956.4 (MANE Select); coding-DNA position 1985, A replaced by G.
Protein change: p.Glu662Gly; replaces glutamic acid 662 with glycine.
Molecular consequence: missense variant.
Genome position (GRCh38, 1-based): chr14:64,442,154, A>G. VCF-style: chr14-64442154-A-G. GRCh37 (hg19) VCF-style: chr14-64908872-A-G.
Other names: c.1985A>G, p.Glu662Gly (NM_001364837.1); short protein forms E662G.
Identifiers: ClinVar variation 1440096 (VCV001440096.6), dbSNP rs1038435878, ClinGen allele CA261848511.

ClinVar aggregate classification (germline): Uncertain significance (1 of 4 stars; one submission).

Allele frequency attached by ClinVar (database versions not stated): gnomAD exomes below 0.00001 and 0.00001; TOPMed below 0.00001; gnomAD 0.00003.
gnomAD v4.1: 6 of 1,613,926 alleles (0.00037%); highest among the groups gnomAD compares: African/African-American, 0.008%; no homozygotes.

Submission:

Labcorp Genetics (formerly Invitae), Labcorp
Classification: Uncertain significance. Last evaluated: 2024-12-09. Review status: criteria provided, single submitter. Criteria: Invitae Variant Classification Sherloc (09022015). Collection method: clinical testing. Allele origin: germline.
Comment: This sequence change replaces glutamic acid, which is acidic and polar, with glycine, which is neutral and non-polar, at codon 662 of the MTHFD1 protein (p.Glu662Gly). This variant is present in population databases (no rsID available, gnomAD 0.01%). This variant has not been reported in the literature in individuals affected with MTHFD1-related conditions. ClinVar contains an entry for this variant (Variation ID: 1440096). Invitae Evidence Modeling of protein sequence and biophysical properties (such as structural, functional, and spatial information, amino acid conservation, physicochemical variation, residue mobility, and thermodynamic stability) indicates that this missense variant is not expected to disrupt MTHFD1 protein function with a negative predictive value of 80%. In summary, the available evidence is currently insufficient to determine the role of this variant in disease. Therefore, it has been classified as a Variant of Uncertain Significance.